The following is an entry in ClinVar:

NM_007294.4(BRCA1):c.3570del (p.Ser1191fs)

Genes: BRCA1 (BRCA1 DNA repair associated; minus strand), LOC126862571 (BRD4-independent group 4 enhancer GRCh37_chr17:41243136-41244335; plus strand). Cytogenetic location: 17q21.31.
Variant type: Deletion.
Coding change: c.3570del on transcript NM_007294.4 (MANE Select); coding-DNA position 3570, one base deleted (T; older notation c.3570delT).
Protein change: p.Ser1191fs; shifts the reading frame from serine 1191.
Molecular consequence: frameshift variant. On other transcripts: intron variant (135).
Genome position (GRCh38, 1-based): chr17:43,091,961, A deleted on the plus strand (T on the coding strand, the reverse complement: BRCA1 is on the minus strand). VCF-style (leftmost placement, unchanged base first): chr17-43091960-TA-T. GRCh37 (hg19) VCF-style: chr17-41243977-TA-T.
Other names: c.3570del, p.Ser1191fs (NM_001407684.1, NM_001407854.1, NM_001407858.1 and 30 more transcripts); c.3444del, p.Ser1149fs (NM_001407685.1, NM_001407686.1, NM_001407687.1 and 11 more transcripts); c.3429del, p.Ser1144fs (NM_001407692.1, NM_001407694.1, NM_001407695.1 and 29 more transcripts); c.3426del, p.Ser1143fs (NM_001407740.1, NM_001407741.1, NM_001407742.1 and 20 more transcripts); c.3357del, p.Ser1120fs (NM_001407853.1, NM_001407894.1, NM_001407895.1 and 9 more transcripts); c.3567del, p.Ser1190fs (NM_001407860.1, NM_001407861.1, NM_001407610.1 and 22 more transcripts); c.3369del, p.Ser1124fs (NM_001407862.1); c.3447del, p.Ser1150fs (NM_001407863.1, NM_001407919.1, NM_001407937.1 and 19 more transcripts); and 41 more; short protein forms S1144fs, S1191fs, S1023fs, S1120fs, S1121fs, S1124fs, S1165fs, S1190fs.
Identifiers: ClinVar variation 254434 (VCV000254434.3), dbSNP rs886038018, ClinGen allele CA10586625.

ClinVar aggregate classification (germline): Pathogenic (3 of 4 stars; one submission).

Conditions:
Breast-ovarian cancer, familial, susceptibility to, 1 (BROVCA1). Also called: BRCA1 Hereditary Breast and Ovarian Cancer; OVARIAN CANCER, SUSCEPTIBILITY TO. Identifiers: Orphanet 145, MedGen C2676676, MONDO:0011450, OMIM 604370. Disease mechanism: loss of function.

Submission:

Evidence-based Network for the Interpretation of Germline Mutant Alleles (ENIGMA)
Classification: Pathogenic for Breast-ovarian cancer, familial, susceptibility to, 1. Last evaluated: 2016-09-08. Review status: reviewed by expert panel. Criteria: ENIGMA BRCA1/2 Classification Criteria (2015). Collection method: curation. Allele origin: germline.
Comment: Variant allele predicted to encode a truncated non-functional protein.